The following is an entry in ClinVar:

ClinVar aggregate classification (germline): Uncertain significance. Review status: criteria provided, single submitter (1 of 4 stars). 2 submissions from 2 submitters: Uncertain significance (1). 1 of the submissions does not count toward it. Last evaluated 2024-03-01.

Conditions:
Multisystem inflammatory syndrome in children. Identifiers: MedGen C5391534.

Allele frequency attached by ClinVar (database versions not stated): TOPMed below 0.00001.
gnomAD v4.1: 7 of 1,613,974 alleles (0.00043%); highest among the groups gnomAD compares: Non-Finnish European, 0.00051%; no homozygotes.

Submissions (2):

CeGaT Center for Human Genetics Tuebingen
Classification: Uncertain significance. Last evaluated: 2024-03-01. Review status: criteria provided, single submitter. Criteria: CeGaT Center For Human Genetics Tuebingen Variant Classification Criteria Version 2. Collection method: clinical testing. Allele origin: germline. Affected: yes. Observed: 1 variant allele.
Comment: IFNB1: PM2, PS4:Supporting

Dubai Health Genomic Medicine Center, Dubai Health
Classification: risk factor for Multisystem inflammatory syndrome in children. Last evaluated: 2021-11-14. Review status: no assertion criteria provided. Collection method: research. Allele origin: germline. Affected: yes. Not counted in ClinVar's aggregate classification.

NM_002176.4(IFNB1):c.403G>T (p.Gly135Ter)

Gene: IFNB1 (interferon beta 1; minus strand). Cytogenetic location: 9p21.3.
Variant type: single nucleotide variant.
Coding change: c.403G>T on transcript NM_002176.4 (MANE Select); coding-DNA position 403, G replaced by T.
Protein change: p.Gly135Ter; replaces glycine 135 with a stop codon.
Molecular consequence: nonsense.
Genome position (GRCh38, 1-based): chr9:21,077,467, C>A on the plus strand (G>T on the coding strand, the complement: IFNB1 is on the minus strand). VCF-style: chr9-21077467-C-A. GRCh37 (hg19) VCF-style: chr9-21077466-C-A.
Other names: short protein forms G135*.
Identifiers: ClinVar variation 1321323 (VCV001321323.23), dbSNP rs747015309, ClinGen allele CA5008590.